The following is an entry in ClinVar:

ClinVar aggregate classification (germline): Benign. Review status: criteria provided, multiple submitters, no conflicts (2 of 4 stars). 3 submissions from 3 submitters: Benign (2). 1 of the submissions does not count toward it. Last evaluated 2018-04-10.

Conditions:
SLC28A1-related disorder. Also called: SLC28A1-related condition.

Allele frequency attached by ClinVar (database versions not stated): gnomAD 0.02988 and 0.02792; 1000 Genomes Project 0.03115; TOPMed 0.03167; gnomAD exomes 0.00743; ExAC 0.00888; ESP Exome Variant Server 0.03130; 1000 Genomes Project 30x 0.03529.
gnomAD v4.1: 8,456 of 1,613,586 alleles (0.52%); highest among the groups gnomAD compares: African/African-American, 9.5%; 365 homozygotes.

Submissions (3):

Labcorp Genetics (formerly Invitae), Labcorp
Classification: Benign. Last evaluated: 2018-04-10. Review status: criteria provided, single submitter. Criteria: Invitae Variant Classification Sherloc (09022015). Collection method: clinical testing. Allele origin: germline.

Breakthrough Genomics
Classification: Benign. Review status: criteria provided, single submitter. Criteria: ACMG Guidelines, 2015. Collection method: not provided. Allele origin: germline. Inheritance: Autosomal recessive inheritance. Affected: yes.

PreventionGenetics, part of Exact Sciences
Classification: Benign for SLC28A1-related condition. Last evaluated: 2019-11-26. Review status: no assertion criteria provided. Collection method: clinical testing. Allele origin: germline. Not counted in ClinVar's aggregate classification.
Comment: This variant is classified as benign based on ACMG/AMP sequence variant interpretation guidelines (Richards et al. 2015 PMID: 25741868, with internal and published modifications).

NM_004213.5(SLC28A1):c.630A>T (p.Gly210=)

Gene: SLC28A1 (solute carrier family 28 member 1; plus strand). Cytogenetic location: 15q25.3.
Variant type: single nucleotide variant.
Coding change: c.630A>T on transcript NM_004213.5 (MANE Select); coding-DNA position 630, A replaced by T.
Protein change: p.Gly210=; no amino-acid change (glycine 210 retained).
Molecular consequence: synonymous variant.
Genome position (GRCh38, 1-based): chr15:84,905,565, A>T. VCF-style: chr15-84905565-A-T. GRCh37 (hg19) VCF-style: chr15-85448796-A-T.
Other names: c.630A>T, p.Gly210= (NM_001287761.2, NM_001287762.2, NM_001321721.2 and 1 more transcripts); c.630A>T (NM_001287762.1).
Identifiers: ClinVar variation 780006 (VCV000780006.6), dbSNP rs8187755, ClinGen allele CA7710492.